The following is an entry in ClinVar:

ClinVar aggregate classification (germline): Pathogenic. Review status: criteria provided, multiple submitters, no conflicts (2 of 4 stars). 3 submissions from 3 submitters: Pathogenic (2). 1 of the submissions does not count toward it. Last evaluated 2025-04-24.

Conditions:
Thyroid dyshormonogenesis 1. Also called: HYPOTHYROIDISM, CONGENITAL, DUE TO DYSHORMONOGENESIS, 1; IODINE ACCUMULATION, TRANSPORT, OR TRAPPING DEFECT; THYROID HORMONOGENESIS, GENETIC DEFECT IN, 1; Familial thyroid dyshormonogenesis 1. Identifiers: Orphanet 95716, MedGen C1848805, MONDO:0020716, OMIM 274400.

Allele frequency attached by ClinVar (database versions not stated): gnomAD exomes 0.00001; ExAC 0.00001.
gnomAD v4.1: 7 of 1,613,252 alleles (0.00043%); highest among the groups gnomAD compares: East Asian, 0.016%; no homozygotes.

Submissions (3):

Women's Health and Genetics/Laboratory Corporation of America, LabCorp
Classification: Pathogenic for Thyroid dyshormonogenesis 1. Last evaluated: 2025-04-24. Review status: criteria provided, single submitter. Criteria: LabCorp Variant Classification Summary - May 2015. Collection method: clinical testing. Allele origin: germline.
Comment: Variant summary: SLC5A5 c.1060A>C (p.Thr354Pro) results in a non-conservative amino acid change in the encoded protein sequence. Three of three in-silico tools predict a damaging effect of the variant on protein function. The variant allele was found at a frequency of 1.2e-05 in 251170 control chromosomes. c.1060A>C has been observed in multiple individuals affected with Familial Thyroid Dyshormonogenesis 1. These data indicate that the variant is very likely to be associated with disease. The following publications have been ascertained in the context of this evaluation (PMID: 9709973, 9814502). ClinVar contains an entry for this variant (Variation ID: 7664). Based on the evidence outlined above, the variant was classified as pathogenic.

Labcorp Genetics (formerly Invitae), Labcorp
Classification: Pathogenic. Last evaluated: 2024-01-08. Review status: criteria provided, single submitter. Criteria: Invitae Variant Classification Sherloc (09022015). Collection method: clinical testing. Allele origin: germline.
Comment: This sequence change replaces threonine, which is neutral and polar, with proline, which is neutral and non-polar, at codon 354 of the SLC5A5 protein (p.Thr354Pro). This variant is present in population databases (rs121909174, gnomAD 0.02%). This missense change has been observed in individual(s) with thyroid dyshormonogenesis (PMID: 9171822, 9398697, 21054210). ClinVar contains an entry for this variant (Variation ID: 7664). An algorithm developed to predict the effect of missense changes on protein structure and function (PolyPhen-2) suggests that this variant is likely to be disruptive. Experimental studies have shown that this missense change affects SLC5A5 function (PMID: 9171822). For these reasons, this variant has been classified as Pathogenic.

OMIM
Classification: Pathogenic for THYROID DYSHORMONOGENESIS 1. Last evaluated: 1998-11-01. Review status: no assertion criteria provided. Collection method: literature only. Allele origin: germline. Not counted in ClinVar's aggregate classification.

Literature cited by the submitters: PubMed 9709973 (cited by Women's Health and Genetics/Laboratory Corporation of America, LabCorp and OMIM); PubMed 9814502 (cited by Women's Health and Genetics/Laboratory Corporation of America, LabCorp and OMIM); PubMed 9171822 (cited by Labcorp Genetics (formerly Invitae), Labcorp and OMIM); PubMed 9398697 (cited by Labcorp Genetics (formerly Invitae), Labcorp and OMIM); PubMed 21054210 (cited by Labcorp Genetics (formerly Invitae), Labcorp); PubMed 9657379 (cited by OMIM).

NM_000453.3(SLC5A5):c.1060A>C (p.Thr354Pro)

Gene: SLC5A5 (solute carrier family 5 member 5; plus strand). Cytogenetic location: 19p13.11.
Variant type: single nucleotide variant.
Coding change: c.1060A>C on transcript NM_000453.3 (MANE Select); coding-DNA position 1060, A replaced by C.
Protein change: p.Thr354Pro; replaces threonine 354 with proline.
Molecular consequence: missense variant.
Genome position (GRCh38, 1-based): chr19:17,881,961, A>C. VCF-style: chr19-17881961-A-C. GRCh37 (hg19) VCF-style: chr19-17992770-A-C.
Other names: short protein forms T354P.
Identifiers: ClinVar variation 7664 (VCV000007664.6), dbSNP rs121909174, ClinGen allele CA118963.